The following is an entry in ClinVar:

NM_001244008.2(KIF1A):c.3937C>T (p.Leu1313=)

Gene: KIF1A (kinesin family member 1A; minus strand). Cytogenetic location: 2q37.3.
Variant type: single nucleotide variant.
Coding change: c.3937C>T on transcript NM_001244008.2 (MANE Select); coding-DNA position 3937, C replaced by T.
Protein change: p.Leu1313=; no amino-acid change (leucine 1313 retained).
Molecular consequence: synonymous variant.
Genome position (GRCh38, 1-based): chr2:240,737,133, G>A on the plus strand (C>T on the coding strand, the complement: KIF1A is on the minus strand). VCF-style: chr2-240737133-G-A. GRCh37 (hg19) VCF-style: chr2-241676550-G-A.
Other names: c.3661C>T, p.Leu1221= (NM_001320705.2, NM_001330289.2, NM_001379638.1); c.3736C>T, p.Leu1246= (NM_001330290.2, NM_001379634.1, NM_001379635.1 and 1 more transcripts); c.4012C>T, p.Leu1338= (NM_001379631.1); c.3886C>T, p.Leu1296= (NM_001379632.1); c.3910C>T, p.Leu1304= (NM_001379633.1, NM_001379642.1, NM_001379645.1); c.3748C>T, p.Leu1250= (NM_001379636.1); c.3709C>T, p.Leu1237= (NM_001379637.1, NM_001379648.1); c.3634C>T, p.Leu1212= (NM_001379639.1, NM_001379641.1, NM_001379649.1 and 4 more transcripts); and 2 more.
Identifiers: ClinVar variation 1530928 (VCV001530928.9), dbSNP rs2125718993, ClinGen allele CA432024145.

ClinVar aggregate classification (germline): Likely benign. Review status: criteria provided, single submitter (1 of 4 stars). 2 submissions from 2 submitters: Likely benign (1). 1 of the submissions does not count toward it. Last evaluated 2024-05-28.

Conditions:
KIF1A-related disorder. Also called: KIF1A-related disorders; KIF1A-related condition.
Hereditary spastic paraplegia 30. Identifiers: Orphanet 101010, MedGen C5235139, MONDO:0012476.
Neuropathy, hereditary sensory, type 2C. Also called: Hereditary sensory and autonomic neuropathy type IIC; KIF1A-Related HSAN2 (HSAN2C). Identifiers: Orphanet 970, MedGen C3280168, MONDO:0013634, OMIM 614213.
Intellectual disability, autosomal dominant 9 (NESCAVS). Also called: NESCAV SYNDROME; KIF1A-Related Neurodevelopmental Disorder. Identifiers: Orphanet 662367, MedGen C5393830, MONDO:0013656, OMIM 614255.

Allele frequency attached by ClinVar (database versions not stated): gnomAD exomes below 0.00001.
gnomAD v4.1: 1 of 1,613,786 alleles (0.000062%); highest among the groups gnomAD compares: Non-Finnish European, 0.000085%; no homozygotes.

Submissions (2):

Labcorp Genetics (formerly Invitae), Labcorp
Classification: Likely benign for Hereditary spastic paraplegia 30; Neuropathy, hereditary sensory, type 2C; Intellectual disability, autosomal dominant 9. Last evaluated: 2024-05-28. Review status: criteria provided, single submitter. Criteria: Invitae Variant Classification Sherloc (09022015). Collection method: clinical testing. Allele origin: germline.

PreventionGenetics, part of Exact Sciences
Classification: Likely benign for KIF1A-related condition. Last evaluated: 2024-07-26. Review status: no assertion criteria provided. Collection method: clinical testing. Allele origin: germline. Not counted in ClinVar's aggregate classification.
Comment: This variant is classified as likely benign based on ACMG/AMP sequence variant interpretation guidelines (Richards et al. 2015 PMID: 25741868, with internal and published modifications).